The following is an entry in ClinVar:

ClinVar aggregate classification (germline): Uncertain significance (1 of 4 stars; one submission).

gnomAD v4.1: 1 of 1,613,084 alleles (0.000062%); highest among the groups gnomAD compares: South Asian, 0.0011%; no homozygotes.

Submission:

GeneDx
Classification: Uncertain significance. Last evaluated: 2025-07-21. Review status: criteria provided, single submitter. Criteria: GeneDx Variant Classification Process June 2021. Collection method: clinical testing. Allele origin: germline. Affected: yes.
Comment: Not observed at significant frequency in large population cohorts (gnomAD); In silico analysis suggests that this missense variant does not alter protein structure/function; Has not been previously published as pathogenic or benign to our knowledge

NM_005639.3(SYT1):c.115G>T (p.Ala39Ser)

Gene: SYT1 (synaptotagmin 1; plus strand). Cytogenetic location: 12q21.2.
Variant type: single nucleotide variant.
Coding change: c.115G>T on transcript NM_005639.3 (MANE Select); coding-DNA position 115, G replaced by T.
Protein change: p.Ala39Ser; replaces alanine 39 with serine.
Molecular consequence: missense variant.
Genome position (GRCh38, 1-based): chr12:79,217,634, G>T. VCF-style: chr12-79217634-G-T. GRCh37 (hg19) VCF-style: chr12-79611414-G-T.
Other names: c.115G>T, p.Ala39Ser (NM_001135805.2, NM_001135806.2, NM_001291901.2 and 6 more transcripts); short protein forms A39S.
Identifiers: ClinVar variation 4687002 (VCV004687002.1).